The following is an entry in ClinVar:

NM_000143.4(FH):c.1439C>G (p.Ser480Ter)

Gene: FH (fumarate hydratase; minus strand). Cytogenetic location: 1q43.
Variant type: single nucleotide variant.
Coding change: c.1439C>G on transcript NM_000143.4 (MANE Select); coding-DNA position 1439, C replaced by G.
Protein change: p.Ser480Ter; replaces serine 480 with a stop codon.
Molecular consequence: nonsense.
Genome position (GRCh38, 1-based): chr1:241,497,922, G>C on the plus strand (C>G on the coding strand, the complement: FH is on the minus strand). VCF-style: chr1-241497922-G-C. GRCh37 (hg19) VCF-style: chr1-241661222-G-C.
Other names: short protein forms S480*.
Identifiers: ClinVar variation 429184 (VCV000429184.50), dbSNP rs1131691245, ClinGen allele CA345450690.
Genomic context (GRCh38, chr1:241,497,922, plus strand): 5'-CATTCGTCAAACTGCTCTGCTGTGAGATAGCCAAGTTCGATAGCAGTTTCCTTTAAGGTT[G>C]ATCCATTTTTGTGTGCTGTCTTAGCAATCTTTGCTGCCTTGTCATACCCTGAAGAAAAAA-3'

ClinVar aggregate classification (germline): Pathogenic/Likely pathogenic. Review status: criteria provided, multiple submitters, no conflicts (2 of 4 stars). 4 submissions from 4 submitters: Pathogenic (3); Likely pathogenic (1). Last evaluated 2025-08-26.

Conditions:
Hereditary cancer-predisposing syndrome. Also called: Tumor predisposition; Hereditary Cancer Syndrome; Hereditary neoplastic syndrome; Neoplastic Syndromes, Hereditary. Identifiers: Orphanet 140162, MedGen C0027672, MeSH D009386, MONDO:0015356.
Hereditary leiomyomatosis and renal cell cancer. Also called: LEIOMYOMA, MULTIPLE CUTANEOUS; Reed syndrome; Multiple cutaneous and uterine leiomyomatosis; Cutaneous leiomyomata with uterine leiomyomata; Leiomyoma, hereditary multiple, of skin; Multiple cutaneous and uterine leiomyomata. Identifiers: Orphanet 523, MedGen C1708350, MONDO:0007888, OMIM 150800, HP:0007437. Disease mechanism: loss of function.
FH-related disorder. Also called: FH-related disorders; FH-related condition.

Submissions (4):

Myriad Genetics, Inc.
Classification: Pathogenic for Hereditary leiomyomatosis and renal cell cancer. Last evaluated: 2025-08-26. Review status: criteria provided, single submitter. Criteria: Myriad Autosomal Dominant, Autosomal Recessive and X-Linked Classification Criteria (2023). Collection method: clinical testing. Allele origin: unknown.
Comment: This variant is considered pathogenic. This variant creates a termination codon and is predicted to result in premature protein truncation.

Labcorp Genetics (formerly Invitae), Labcorp
Classification: Pathogenic. Last evaluated: 2025-01-14. Review status: criteria provided, single submitter. Criteria: Invitae Variant Classification Sherloc (09022015). Collection method: clinical testing. Allele origin: germline.
Comment: This sequence change creates a premature translational stop signal (p.Ser480*) in the FH gene. While this is not anticipated to result in nonsense mediated decay, it is expected to disrupt the last 31 amino acid(s) of the FH protein. This variant is not present in population databases (gnomAD no frequency). This premature translational stop signal has been observed in individual(s) with hereditary leiomyomatosis and renal cell cancer (PMID: 27187686). ClinVar contains an entry for this variant (Variation ID: 429184). This variant disrupts a region of the FH protein in which other variant(s) (p.Trp500*) have been determined to be pathogenic (PMID: 9635293, 21398687). This suggests that this is a clinically significant region of the protein, and that variants that disrupt it are likely to be disease-causing. For these reasons, this variant has been classified as Pathogenic.

Blueprint Genetics
Classification: Likely pathogenic for FH-related disorders. Last evaluated: 2018-07-11. Review status: criteria provided, single submitter. Criteria: ACMG Guidelines, 2015. Collection method: clinical testing. Allele origin: germline. Affected: yes. Observed: 1 variant allele.

Ambry Genetics
Classification: Pathogenic for Hereditary cancer-predisposing syndrome. Last evaluated: 2017-05-31. Review status: criteria provided, single submitter. Criteria: Ambry General Variant Classification Scheme_2022. Collection method: clinical testing. Allele origin: germline. Observed: 1 variant allele.
Comment: The p.S480* pathogenic mutation (also known as c.1439C>G), located in coding exon 10 of the FH gene, results from a C to G substitution at nucleotide position 1439. This changes the amino acid from a serine to a stop codon within coding exon 10. Based on internal structural analysis, this alteration disrupts normal FH protein structure and is anticipated to result in a significant decrease in structural stability; however direct functional evidence is unavailable (Ambry internal data). This alteration has been observed in at least one individual who has a personal or family history that is consistent with FH-associated disease (Ambry internal data). This alteration is expected to result in loss of function by premature protein truncation or nonsense-mediated mRNA decay. As such, this alteration is interpreted as a disease-causing mutation.

Literature cited by the submitters: PubMed 27187686 (cited by Labcorp Genetics (formerly Invitae), Labcorp); PubMed 9635293 (cited by Labcorp Genetics (formerly Invitae), Labcorp); PubMed 21398687 (cited by Labcorp Genetics (formerly Invitae), Labcorp).